The following is an entry in ClinVar:

NM_006459.4(ERLIN1):c.369C>T (p.His123=)

Gene: ERLIN1 (ER lipid raft associated 1; minus strand). Cytogenetic location: 10q24.31.
Variant type: single nucleotide variant.
Coding change: c.369C>T on transcript NM_006459.4 (MANE Select); coding-DNA position 369, C replaced by T.
Protein change: p.His123=; no amino-acid change (histidine 123 retained).
Molecular consequence: synonymous variant. On other transcripts: 5 prime UTR variant (1), non-coding transcript variant (6).
Genome position (GRCh38, 1-based): chr10:100,176,006, G>A on the plus strand (C>T on the coding strand, the complement: ERLIN1 is on the minus strand). VCF-style: chr10-100176006-G-A. GRCh37 (hg19) VCF-style: chr10-101935763-G-A.
Other names: c.369C>T, p.His123= (NM_001100626.2, NM_001347857.2, NM_001347859.2 and 2 more transcripts); c.117C>T, p.His39= (NM_001347856.2); c.-112C>T (NM_001347858.2).
Identifiers: ClinVar variation 704910 (VCV000704910.25), dbSNP rs150796906, ClinGen allele CA5646091.
Genomic context (GRCh38, chr10:100,176,006, plus strand): 5'-AAACAATTCAATGTAAACTTCCTGAAGTGTGTGGGCACTGCAGAACTGGTTCAGCTCATG[G>A]TGGATTTTATTGAAGATTAAGGTCTTGTCATAATCTGCAGTATAGTTCCTCACGATATCA-3'
Protein context (NP_006450.2, residues 113-133): YDKTLIFNKI[His123=]HELNQFCSAH

ClinVar aggregate classification (germline): Benign/Likely benign. Review status: criteria provided, multiple submitters, no conflicts (2 of 4 stars). 4 submissions from 4 submitters: Benign (2); Likely benign (1). 1 of the submissions does not count toward it. Last evaluated 2025-11-27.

Conditions:
ERLIN1-related disorder. Also called: ERLIN1-related condition.
Hereditary spastic paraplegia 62. Also called: Spastic paraplegia 62, autosomal recessive. Identifiers: Orphanet 401785, MedGen C4284588, MONDO:0014302, OMIM 615681.

Allele frequency attached by ClinVar (database versions not stated): ExAC 0.00067; 1000 Genomes Project 0.00120; 1000 Genomes Project 30x 0.00141; gnomAD exomes 0.00024 and 0.00051; gnomAD 0.00206 and 0.00224; TOPMed 0.00229; ESP Exome Variant Server 0.00269.
gnomAD v4.1: 679 of 1,613,070 alleles (0.042%); highest among the groups gnomAD compares: African/African-American, 0.81%; 1 homozygote.

Submissions (4):

Labcorp Genetics (formerly Invitae), Labcorp
Classification: Benign for Hereditary spastic paraplegia 62. Last evaluated: 2025-11-27. Review status: criteria provided, single submitter. Criteria: Invitae Variant Classification Sherloc (09022015). Collection method: clinical testing. Allele origin: germline.

CeGaT Center for Human Genetics Tuebingen
Classification: Likely benign. Last evaluated: 2025-02-01. Review status: criteria provided, single submitter. Criteria: CeGaT Center For Human Genetics Tuebingen Variant Classification Criteria Version 2. Collection method: clinical testing. Allele origin: germline. Affected: yes. Observed: 1 variant allele.
Comment: ERLIN1: BP4, BP7

Breakthrough Genomics
Classification: Benign. Review status: criteria provided, single submitter. Criteria: ACMG Guidelines, 2015. Collection method: not provided. Allele origin: germline. Inheritance: Autosomal recessive inheritance. Affected: yes.

PreventionGenetics, part of Exact Sciences
Classification: Benign for ERLIN1-related condition. Last evaluated: 2019-11-04. Review status: no assertion criteria provided. Collection method: clinical testing. Allele origin: germline. Not counted in ClinVar's aggregate classification.
Comment: This variant is classified as benign based on ACMG/AMP sequence variant interpretation guidelines (Richards et al. 2015 PMID: 25741868, with internal and published modifications).